The following is an entry in ClinVar:

ClinVar aggregate classification (germline): Uncertain significance. Review status: criteria provided, multiple submitters, no conflicts (2 of 4 stars). 2 submissions from 2 submitters: Uncertain significance (2). Last evaluated 2022-05-27.

Conditions:
Inborn genetic diseases. Identifiers: MedGen C0950123, MeSH D030342.
Polyhydramnios, megalencephaly, and symptomatic epilepsy (PMSE). Also called: PMSE SYNDROME. Identifiers: Orphanet 500533, MedGen C1970203, MONDO:0012611, OMIM 611087.

Allele frequency attached by ClinVar (database versions not stated): TOPMed 0.00006.
gnomAD v4.1: 121 of 1,612,880 alleles (0.0075%); highest among the groups gnomAD compares: Non-Finnish European, 0.0093%; no homozygotes.

Submissions (2):

Ambry Genetics
Classification: Uncertain significance for Inborn genetic diseases. Last evaluated: 2022-05-27. Review status: criteria provided, single submitter. Criteria: Ambry Variant Classification Scheme 2023. Collection method: clinical testing. Allele origin: germline.

Labcorp Genetics (formerly Invitae), Labcorp
Classification: Uncertain significance for Polyhydramnios, megalencephaly, and symptomatic epilepsy. Last evaluated: 2022-03-03. Review status: criteria provided, single submitter. Criteria: Invitae Variant Classification Sherloc (09022015). Collection method: clinical testing. Allele origin: germline.
Comment: This sequence change replaces threonine, which is neutral and polar, with isoleucine, which is neutral and non-polar, at codon 331 of the STRADA protein (p.Thr331Ile). This variant is present in population databases (rs539671529, gnomAD 0.007%). This variant has not been reported in the literature in individuals affected with STRADA-related conditions. ClinVar contains an entry for this variant (Variation ID: 536758). Algorithms developed to predict the effect of missense changes on protein structure and function output the following: SIFT: "Tolerated"; PolyPhen-2: "Benign"; Align-GVGD: "Class C0". The isoleucine amino acid residue is found in multiple mammalian species, which suggests that this missense change does not adversely affect protein function. In summary, the available evidence is currently insufficient to determine the role of this variant in disease. Therefore, it has been classified as a Variant of Uncertain Significance.

NM_001003787.4(STRADA):c.992C>T (p.Thr331Ile)

Gene: STRADA (STE20 related adaptor alpha; minus strand). Cytogenetic location: 17q23.3.
Variant type: single nucleotide variant.
Coding change: c.992C>T on transcript NM_001003787.4 (MANE Select); coding-DNA position 992, C replaced by T.
Protein change: p.Thr331Ile; replaces threonine 331 with isoleucine.
Molecular consequence: missense variant. On other transcripts: non-coding transcript variant (1).
Genome position (GRCh38, 1-based): chr17:63,704,449, G>A on the plus strand (C>T on the coding strand, the complement: STRADA is on the minus strand). VCF-style: chr17-63704449-G-A. GRCh37 (hg19) VCF-style: chr17-61781809-G-A.
Other names: c.881C>T, p.Thr294Ile (NM_001003786.3, NM_001363789.1, NM_153335.6); c.818C>T, p.Thr273Ile (NM_001003788.3, NM_001363790.1, NM_001363791.1); c.905C>T, p.Thr302Ile (NM_001165969.2, NM_001363787.1); c.860C>T, p.Thr287Ile (NM_001165970.2); c.968C>T, p.Thr323Ile (NM_001363786.1); c.992C>T, p.Thr331Ile (NM_001363788.1); short protein forms T331I, T273I, T294I, T302I, T323I, T287I.
Identifiers: ClinVar variation 536758 (VCV000536758.6), dbSNP rs539671529, ClinGen allele CA8703169.